The following continues an entry in ClinVar:

NM_000363.5(TNNI3):c.356C>A (p.Thr119Asn)

Gene: TNNI3. ClinVar aggregate classification (germline): Conflicting classifications of pathogenicity. Uncertain significance (15); Likely benign (1).

Submissions 10 to 16 of 16:

Ambry Genetics
Classification: Uncertain significance for Cardiovascular phenotype. Last evaluated: 2022-01-25. Review status: criteria provided, single submitter. Criteria: Ambry General Variant Classification Scheme_2022. Collection method: clinical testing. Allele origin: germline. Observed: 1 variant allele.
Comment: The p.T119N variant (also known as c.356C>A), located in coding exon 6 of the TNNI3 gene, results from a C to A substitution at nucleotide position 356. The threonine at codon 119 is replaced by asparagine, an amino acid with similar properties. This variant was observed in one individual reported to have hypertrophic cardiomyopathy (HCM); however, clinical details were limited (Coppini R et al. J Am Coll Cardiol. 2014;64(24):2589-600). This variant was also reported in two individuals with dilated cardiomyopathy (DCM) who also had variants in other cardiac related genes (Pugh TJ et al. Genet Med. 2014;16(8):601-8). This amino acid position is not well conserved in available vertebrate species, and asparagine is the reference amino acid in other vertebrate species. In addition, this alteration is predicted to be tolerated by in silico analysis. Since supporting evidence is limited at this time, the clinical significance of this alteration remains unclear.

CHEO Genetics Diagnostic Laboratory, Children's Hospital of Eastern Ontario
Classification: Uncertain significance for Cardiomyopathy. Last evaluated: 2022-01-17. Review status: criteria provided, single submitter. Criteria: ACMG Guidelines, 2015. Collection method: clinical testing. Allele origin: germline.

Fulgent Genetics
Classification: Uncertain significance for Cardiomyopathy, familial restrictive, 1; Dilated cardiomyopathy 2A; Dilated cardiomyopathy 1FF; Hypertrophic cardiomyopathy 7. Last evaluated: 2021-07-27. Review status: criteria provided, single submitter. Criteria: ACMG Guidelines, 2015. Collection method: clinical testing. Allele origin: unknown.

ARUP Laboratories, Molecular Genetics and Genomics, ARUP Laboratories
Classification: Uncertain significance. Last evaluated: 2020-08-23. Review status: criteria provided, single submitter. Criteria: ARUP Molecular Germline Variant Investigation Process. Collection method: clinical testing. Allele origin: germline.
Comment: The TNNI3 c.356C>A; p.Thr119Asn variant (rs184709702) is reported in the literature in cohort studies of patients affected with dilated and hypertrophic cardiomyopathies (Walsh 2017 and Coppini 2014). This variant is also reported to the ClinVar database as uncertain (Variation ID: 43375). It is also found in the general population with an overall allele frequency of 0.003% (10/280,786 alleles) in the Genome Aggregation Database. The threonine at codon 119 is moderately conserved, and computational analyses (SIFT, PolyPhen-2) predict that this variant is tolerated. Due to limited information, the clinical significance of the p.Thr119Asn variant is uncertain at this time. References: Coppini et al. Clinical phenotype and outcome of hypertrophic cardiomyopathy associated with thin-filament gene mutations. J Am Coll Cardiol. 2014 Dec 23. Walsh et al. Reassessment of Mendelian gene pathogenicity using 7,855 cardiomyopathy cases and 60,706 reference samples. Genet Med. 2017 Feb. Gene statement: Pathogenic variants in TNNI3 are associated with autosomal dominant hypertrophic cardiomyopathy 7 (MIM: 613690), familial restrictive cardiomyopathy 1 (MIM: 115210), dilated cardiomyopathy 1FF (MIM: 613286), and autosomal recessive dilated cardiomyopathy 2A (MIM: 611880).

Molecular Diagnostic Laboratory for Inherited Cardiovascular Disease, Montreal Heart Institute
Classification: Uncertain significance for Hypertrophic cardiomyopathy 1. Last evaluated: 2020-01-15. Review status: criteria provided, single submitter. Criteria: ACMG Guidelines, 2015. Collection method: clinical testing. Allele origin: germline. Affected: yes.

Laboratory for Molecular Medicine, Mass General Brigham Personalized Medicine
Classification: Uncertain significance for Primary dilated cardiomyopathy. Last evaluated: 2019-04-05. Review status: criteria provided, single submitter. Criteria: ACMG Guidelines, 2015. Collection method: clinical testing. Allele origin: germline.
Comment: The p.Thr119Asn variant in TNNI3 has been reported in 2 individuals with DCM and 1 individual with HCM (Coppini 2014, LMM data), but has been identified in 3/24022 of African and 3/126650 European chromosomes by the Genome Aggregation Database (gnomAD; dbSNP rs184709702). Computational prediction tools and conservation analysis suggest that the p.Thr119Asn variant may not impact the protein, though this information is not predictive enough to rule out pathogenicity. In summary, the clinical significance of the p.Thr119Asn variant is uncertain. ACMG/AMP Criteria applied: PS4_Supporting; BP4.

Baylor Genetics
Classification: Uncertain significance for Dilated cardiomyopathy 2A. Last evaluated: 2018-05-16. Review status: criteria provided, single submitter. Criteria: ACMG Guidelines, 2015. Collection method: clinical testing. Allele origin: maternal. Affected: yes.
Comment: This variant was determined to be of uncertain significance according to ACMG Guidelines, 2015 [PMID:25741868].

Literature cited by the submitters: PubMed 24503780 (cited by 5 submitters); PubMed 25524337 (cited by 6 submitters); PubMed 27532257 (cited by 6 submitters); PubMed 30297972 (cited by 3 submitters); PubMed 37652022 (cited by Labcorp Genetics (formerly Invitae), Labcorp and Women's Health and Genetics/Laboratory Corporation of America, LabCorp); PubMed 22464770 (cited by Women's Health and Genetics/Laboratory Corporation of America, LabCorp and Ambry Genetics); PubMed 26440512 (cited by Women's Health and Genetics/Laboratory Corporation of America, LabCorp and Ambry Genetics).